The following is an entry in ClinVar:

NM_007294.4(BRCA1):c.2655C>G (p.Phe885Leu)

Gene: BRCA1 (BRCA1 DNA repair associated; minus strand). Cytogenetic location: 17q21.31.
Variant type: single nucleotide variant.
Coding change: c.2655C>G on transcript NM_007294.4 (MANE Select); coding-DNA position 2655, C replaced by G.
Protein change: p.Phe885Leu; replaces phenylalanine 885 with leucine.
Molecular consequence: missense variant. On other transcripts: intron variant (137).
Genome position (GRCh38, 1-based): chr17:43,092,876, G>C on the plus strand (C>G on the coding strand, the complement: BRCA1 is on the minus strand). VCF-style: chr17-43092876-G-C. GRCh37 (hg19) VCF-style: chr17-41244893-G-C.
Other names: c.2574C>G, p.Phe858Leu (NM_001407662.1, NM_001407659.1, NM_001407660.1 and 1 more transcripts); c.2577C>G, p.Phe859Leu (NM_001407663.1, NM_001407653.1, NM_001407654.1 and 4 more transcripts); c.2532C>G, p.Phe844Leu (NM_001407664.1, NM_001407665.1, NM_001407666.1 and 19 more transcripts); c.2529C>G, p.Phe843Leu (NM_001407670.1, NM_001407671.1, NM_001407672.1 and 11 more transcripts); c.665-1844C>G (NM_001408430.1, NM_001408436.1, NM_001408444.1 and 12 more transcripts); c.671-1844C>G (NM_001408423.1, NM_001408420.1, NM_001408419.1 and 2 more transcripts); c.788-737C>G (NM_001407969.1, NM_001407968.1); c.788-1844C>G (NM_001408472.1, NM_001408404.1, NM_001407990.1 and 17 more transcripts); and 41 more; short protein forms F797L, F815L, F844L, F882L, F885L, F589L, F758L, F796L.
Identifiers: ClinVar variation 2565359 (VCV002565359.2), dbSNP rs2552185651, ClinGen allele CA10596683.

ClinVar aggregate classification (germline): Uncertain significance (1 of 4 stars; one submission).

Conditions:
Hereditary cancer-predisposing syndrome. Also called: Neoplastic Syndromes, Hereditary; Hereditary Cancer Syndrome; Hereditary neoplastic syndrome; Tumor predisposition. Identifiers: Orphanet 140162, MedGen C0027672, MeSH D009386, MONDO:0015356.

Allele frequency attached by ClinVar (database versions not stated): gnomAD exomes below 0.00001.
gnomAD v4.1: 1 of 1,613,962 alleles (0.000062%); highest among the groups gnomAD compares: Non-Finnish European, 0.000085%; no homozygotes.

Submission:

Ambry Genetics
Classification: Uncertain significance for Hereditary cancer-predisposing syndrome. Last evaluated: 2023-06-07. Review status: criteria provided, single submitter. Criteria: Ambry Variant Classification Scheme 2023. Collection method: clinical testing. Allele origin: germline.
Comment: The p.F885L variant (also known as c.2655C>G), located in coding exon 9 of the BRCA1 gene, results from a C to G substitution at nucleotide position 2655. The phenylalanine at codon 885 is replaced by leucine, an amino acid with highly similar properties. This amino acid position is poorly conserved in available vertebrate species. In addition, this alteration is predicted to be tolerated by in silico analysis. Since supporting evidence is limited at this time, the clinical significance of this alteration remains unclear.